The following is an entry in ClinVar:

NM_001048174.2(MUTYH):c.1097A>C (p.Asn366Thr)

Gene: MUTYH (mutY DNA glycosylase; minus strand). Cytogenetic location: 1p34.1.
Variant type: single nucleotide variant.
Coding change: c.1097A>C on transcript NM_001048174.2 (MANE Select); coding-DNA position 1097, A replaced by C.
Protein change: p.Asn366Thr; replaces asparagine 366 with threonine.
Molecular consequence: missense variant. On other transcripts: non-coding transcript variant (7).
Genome position (GRCh38, 1-based): chr1:45,331,666, T>G on the plus strand (A>C on the coding strand, the complement: MUTYH is on the minus strand). VCF-style: chr1-45331666-T-G. GRCh37 (hg19) VCF-style: chr1-45797338-T-G.
Other names: c.821A>C, p.Asn274Thr (NM_001293196.2, NM_001407091.1, NM_001293192.2); c.752A>C, p.Asn251Thr (NM_001350650.2, NM_001350651.2, NM_001407082.1); c.1130A>C, p.Asn377Thr (NM_001407069.1, NM_001293191.2, NM_001407077.1); c.1097A>C, p.Asn366Thr (NM_001407070.1, NM_001407072.1, NM_001407073.1 and 6 more transcripts); c.1100A>C, p.Asn367Thr (NM_001407071.1, NM_001048172.2, NM_001407078.1 and 1 more transcripts); c.1013A>C, p.Asn338Thr (NM_001407075.1); c.1172A>C, p.Asn391Thr (NM_012222.3); c.1181A>C, p.Asn394Thr (NM_001128425.2); and 5 more; short protein forms N338T, N352T, N377T, N394T, N274T, N367T, N373T, N366T.
Identifiers: ClinVar variation 4112790 (VCV004112790.1).

ClinVar aggregate classification (germline): Uncertain significance (1 of 4 stars; one submission).

Conditions:
Hereditary cancer-predisposing syndrome. Also called: Tumor predisposition; Neoplastic Syndromes, Hereditary; Hereditary neoplastic syndrome; Hereditary Cancer Syndrome. Identifiers: Orphanet 140162, MedGen C0027672, MeSH D009386, MONDO:0015356.

gnomAD v4.1: 1 of 1,613,902 alleles (0.000062%); highest among the groups gnomAD compares: East Asian, 0.0022%; no homozygotes.

Submission:

Ambry Genetics
Classification: Uncertain significance for Hereditary cancer-predisposing syndrome. Last evaluated: 2025-08-27. Review status: criteria provided, single submitter. Criteria: Ambry Variant Classification Scheme 2023. Collection method: clinical testing. Allele origin: germline.
Comment: The p.N394T variant (also known as c.1181A>C), located in coding exon 12 of the MUTYH gene, results from an A to C substitution at nucleotide position 1181. The asparagine at codon 394 is replaced by threonine, an amino acid with similar properties. This amino acid position is conserved. In addition, this alteration is predicted to be tolerated by in silico analysis. Based on the available evidence, the clinical significance of this variant remains unclear.